The following is an entry in ClinVar:

NM_015512.5(DNAH1):c.10616A>G (p.Lys3539Arg)

Gene: DNAH1 (dynein axonemal heavy chain 1; plus strand). Cytogenetic location: 3p21.1.
Variant type: single nucleotide variant.
Coding change: c.10616A>G on transcript NM_015512.5 (MANE Select); coding-DNA position 10616, A replaced by G.
Protein change: p.Lys3539Arg; replaces lysine 3539 with arginine.
Molecular consequence: missense variant.
Genome position (GRCh38, 1-based): chr3:52,393,475, A>G. VCF-style: chr3-52393475-A-G. GRCh37 (hg19) VCF-style: chr3-52427491-A-G.
Other names: short protein forms K3539R.
Identifiers: ClinVar variation 544674 (VCV000544674.14), dbSNP rs115647631, ClinGen allele CA2435895.

ClinVar aggregate classification (germline): Conflicting classifications of pathogenicity. Review status: criteria provided, conflicting classifications (1 of 4 stars). 4 submissions from 4 submitters: Uncertain significance (1); Likely benign (3). Last evaluated 2026-09-01.

Conditions:
Spermatogenic failure 18. Identifiers: MedGen C4539783, MONDO:0054615, OMIM 617576.
Ciliary dyskinesia, primary, 37 (CILD37). Also called: CILIARY DYSKINESIA, PRIMARY, 37, WITH OR WITHOUT SITUS INVERSUS. Identifiers: MedGen C4539798, MONDO:0033204, OMIM 617577.
DNAH1-related disorder. Also called: DNAH1-related condition.

Allele frequency attached by ClinVar (database versions not stated): gnomAD exomes 0.00007 and 0.00018; ExAC 0.00023; 1000 Genomes Project 0.00060; 1000 Genomes Project 30x 0.00062; ESP Exome Variant Server 0.00088; gnomAD 0.00092 and 0.00098; TOPMed 0.00114.
gnomAD v4.1: 253 of 1,614,038 alleles (0.016%); highest among the groups gnomAD compares: African/African-American, 0.26%; 2 homozygotes.

Submissions (4):

CeGaT Center for Human Genetics Tuebingen
Classification: Likely benign. Last evaluated: 2026-09-01. Review status: criteria provided, single submitter. Criteria: CeGaT Center For Human Genetics Tuebingen Variant Classification Criteria Version 2. Collection method: clinical testing. Allele origin: germline. Affected: yes. Observed: 1 variant allele.
Comment: DNAH1: BP4

Labcorp Genetics (formerly Invitae), Labcorp
Classification: Likely benign for Ciliary dyskinesia, primary, 37; Spermatogenic failure 18. Last evaluated: 2025-11-23. Review status: criteria provided, single submitter. Criteria: Invitae Variant Classification Sherloc (09022015). Collection method: clinical testing. Allele origin: germline.

PreventionGenetics, part of Exact Sciences
Classification: Likely benign for DNAH1-related condition. Last evaluated: 2024-11-18. Review status: criteria provided, single submitter. Criteria: ACMG Guidelines, 2015. Collection method: clinical testing. Allele origin: germline.
Comment: This variant is classified as likely benign based on ACMG/AMP sequence variant interpretation guidelines (Richards et al. 2015 PMID: 25741868, with internal and published modifications).

Johns Hopkins Genomics, Johns Hopkins University
Classification: Uncertain significance for Ciliary dyskinesia, primary, 37. Last evaluated: 2024-07-14. Review status: criteria provided, single submitter. Criteria: ACMG Guidelines, 2015. Collection method: clinical testing. Allele origin: germline.
Comment: This DNAH1 missense variant (rs115647631) is rare (<0.1%) in a large population dataset (gnomAD v4.1.0: 253/1614038 total alleles; 0.02%; 2 homozygotes). It has been reported in ClinVar (Variation ID 544674), but has not been reported in the literature, to our knowledge. Two bioinformatic tools queried predict that this substitution would be tolerated, and the lysine residue at this position is evolutionarily conserved across many of the species assessed, but several species have a different amino acid at this position, including four species with arginine. We consider the clinical significance of c.10616A>G in DNAH1 to be uncertain at this time.